The following is an entry in ClinVar:

ClinVar aggregate classification (germline): Uncertain significance (1 of 4 stars; one submission).

Conditions:
Fanconi anemia (FA). Also called: Fanconi's anemia. Identifiers: Orphanet 84, MedGen C0015625, MeSH D005199, MONDO:0019391.

Allele frequency attached by ClinVar (database versions not stated): gnomAD 0.00001; gnomAD exomes 0.00003.
gnomAD v4.1: 46 of 1,614,048 alleles (0.0028%); highest among the groups gnomAD compares: Non-Finnish European, 0.0039%; no homozygotes.

Submission:

Labcorp Genetics (formerly Invitae), Labcorp
Classification: Uncertain significance for Fanconi anemia. Last evaluated: 2022-09-09. Review status: criteria provided, single submitter. Criteria: Invitae Variant Classification Sherloc (09022015). Collection method: clinical testing. Allele origin: germline.
Comment: This sequence change replaces aspartic acid, which is acidic and polar, with histidine, which is basic and polar, at codon 1345 of the FANCA protein (p.Asp1345His). This variant is not present in population databases (gnomAD no frequency). This variant has not been reported in the literature in individuals affected with FANCA-related conditions. Advanced modeling of protein sequence and biophysical properties (such as structural, functional, and spatial information, amino acid conservation, physicochemical variation, residue mobility, and thermodynamic stability) performed at Invitae indicates that this missense variant is expected to disrupt FANCA protein function. Algorithms developed to predict the effect of sequence changes on RNA splicing suggest that this variant may disrupt the consensus splice site. In summary, the available evidence is currently insufficient to determine the role of this variant in disease. Therefore, it has been classified as a Variant of Uncertain Significance.

NM_000135.4(FANCA):c.4033G>C (p.Asp1345His)

Genes: FANCA (FA complementation group A; minus strand), ZNF276 (zinc finger protein 276; plus strand). Cytogenetic location: 16q24.3.
Variant type: single nucleotide variant.
Coding change: c.4033G>C on transcript NM_000135.4 (MANE Select); coding-DNA position 4033, G replaced by C.
Protein change: p.Asp1345His; replaces aspartic acid 1345 with histidine.
Molecular consequence: missense variant. On other transcripts: 3 prime UTR variant (2), non-coding transcript variant (4).
Genome position (GRCh38, 1-based): chr16:89,739,267, C>G on the plus strand (G>C on the coding strand, the complement: FANCA is on the minus strand). VCF-style: chr16-89739267-C-G. GRCh37 (hg19) VCF-style: chr16-89805675-C-G.
Other names: c.4033G>C, p.Asp1345His (NM_001286167.3); c.*1021C>G (NM_001113525.2, NM_152287.4); short protein forms D1345H.
Identifiers: ClinVar variation 2069135 (VCV002069135.1), dbSNP rs1394184058, ClinGen allele CA397484670.